The following is an entry in ClinVar:

ClinVar aggregate classification (germline): Conflicting classifications of pathogenicity. Review status: criteria provided, conflicting classifications (1 of 4 stars). 7 submissions from 7 submitters: Uncertain significance (5); Likely benign (1). 1 of the submissions does not count toward it. Last evaluated 2025-07-22.

Conditions:
MYBPC3-related disorder. Also called: MYBPC3-related disorders; MYBPC3-related condition; MYBPC3-related disease.
Cardiovascular phenotype. Identifiers: MedGen CN230736.
Cardiomyopathy (CMYO). Also called: Cardiomyopathies. Identifiers: Orphanet 167848, MedGen C0878544, MONDO:0004994, HP:0001638. Inheritance: Various modes of inheritance.
Hypertrophic cardiomyopathy. Also called: HYPERTROPHIC MYOCARDIOPATHY. Identifiers: Orphanet 217569, MedGen C0007194, MeSH D002312, MONDO:0005045, HP:0001639.

Allele frequency attached by ClinVar (database versions not stated): gnomAD 0.00001; ExAC 0.00002; gnomAD exomes 0.00002; TOPMed 0.00002.
gnomAD v4.1: 96 of 1,591,556 alleles (0.006%); highest among the groups gnomAD compares: Non-Finnish European, 0.0076%; no homozygotes.

Submissions (7):

Ambry Genetics
Classification: Uncertain significance for Cardiovascular phenotype. Last evaluated: 2025-07-22. Review status: criteria provided, single submitter. Criteria: Ambry Variant Classification Scheme 2023. Collection method: clinical testing. Allele origin: germline.
Comment: The p.R69Q variant (also known as c.206G>A), located in coding exon 2 of the MYBPC3 gene, results from a G to A substitution at nucleotide position 206. The arginine at codon 69 is replaced by glutamine, an amino acid with highly similar properties. This variant was reported in individual(s) with features consistent with MYBPC3-related cardiomyopathy (van Lint FHM et al. Neth Heart J, 2019 Jun;27:304-309; Harper AR et al. Nat Genet, 2021 Feb;53:135-142; Pugh TJ et al. Genet Med, 2014 Aug;16:601-8). This amino acid position is not well conserved in available vertebrate species. In addition, this alteration is predicted to be tolerated by in silico analysis. Based on the available evidence, the clinical significance of this variant remains unclear.

PreventionGenetics, part of Exact Sciences
Classification: Uncertain significance for MYBPC3-related condition. Last evaluated: 2025-05-28. Review status: criteria provided, single submitter. Criteria: ACMG Guidelines, 2015. Collection method: clinical testing. Allele origin: germline.
Comment: The MYBPC3 c.206G>A variant is predicted to result in the amino acid substitution p.Arg69Gln. This variant has been reported in individuals with hypertrophic cardiomyopathy, dilated cardiomyopathy, or sudden unexpected death; however, pathogenicity was not established (Table S1B, Walsh et al. 2017. PubMed ID: 27532257; Dewar et al. 2017. PubMed ID: 28807990; online supplementary file 2, van Lint et al. 2019. PubMed ID: 30847666; Table S21, Harper et al. 2021. PubMed ID: 33495597). This variant is reported in 0.0042% of alleles in individuals of European (Non-Finnish) descent in gnomAD. At this time, the clinical significance of this variant is uncertain due to the absence of conclusive functional and genetic evidence.

Labcorp Genetics (formerly Invitae), Labcorp
Classification: Uncertain significance for Hypertrophic cardiomyopathy. Last evaluated: 2024-12-27. Review status: criteria provided, single submitter. Criteria: Invitae Variant Classification Sherloc (09022015). Collection method: clinical testing. Allele origin: germline.
Comment: This sequence change replaces arginine, which is basic and polar, with glutamine, which is neutral and polar, at codon 69 of the MYBPC3 protein (p.Arg69Gln). This variant is present in population databases (rs397515945, gnomAD 0.004%). This missense change has been observed in individual(s) with MYBPC3-related conditions (PMID: 27532257, 30847666, 33495597). ClinVar contains an entry for this variant (Variation ID: 42594). An algorithm developed to predict the effect of missense changes on protein structure and function outputs the following: PolyPhen-2: "Benign". The glutamine amino acid residue is found in multiple mammalian species, which suggests that this missense change does not adversely affect protein function. In summary, the available evidence is currently insufficient to determine the role of this variant in disease. Therefore, it has been classified as a Variant of Uncertain Significance.

All of Us Research Program, National Institutes of Health
Classification: Uncertain significance for Hypertrophic cardiomyopathy. Last evaluated: 2024-07-20. Review status: criteria provided, single submitter. Criteria: ACMG Guidelines, 2015. Collection method: clinical testing. Allele origin: germline. Inheritance: Autosomal dominant inheritance. Observed: 9 variant alleles, 9 heterozygotes.
Comment: This missense variant replaces arginine with glutamine at codon 69 of the MYBPC3 protein. Computational prediction suggests that this variant may not impact protein structure and function (internally defined REVEL score threshold <= 0.5, PMID: 27666373). To our knowledge, functional studies have not been reported for this variant. This variant has been reported in an individual affected with hypertrophic cardiomyopathy (PMID: 33495597), in an individual affected with dilated cardiomyopathy (PMID: 27532257), and in an individual affected with an unspecified cardiomyopathy (PMID: 30847666). This variant has been identified in 5/213620 chromosomes in the general population by the Genome Aggregation Database (gnomAD). The available evidence is insufficient to determine the role of this variant in disease conclusively. Therefore, this variant is classified as a Variant of Uncertain Significance.

This study involves interpretation of variants in research participants for the purpose of population health screening. Participant phenotype was not available at the time of variant classification. Additional details can be found in publication PMID: 35346344, PMCID: PMC8962531

Color Diagnostics, LLC DBA Color Health
Classification: Uncertain significance for Cardiomyopathy. Last evaluated: 2024-03-22. Review status: criteria provided, single submitter. Criteria: ACMG Guidelines, 2015. Collection method: clinical testing. Allele origin: germline.
Comment: This missense variant replaces arginine with glutamine at codon 69 of the MYBPC3 protein. Computational prediction tools indicate that this variant has a neutral impact on protein structure and function. To our knowledge, functional studies have not been reported for this variant. This variant has been reported in one individual affected with hypertrophic cardiomyopathy (PMID: 33495597), in one individual affected with dilated cardiomyopathy (PMID: 27532257), and in one individual affected with an unspecified cardiomyopathy (PMID: 30847666). This variant has been identified in 5/213620 chromosomes in the general population by the Genome Aggregation Database (gnomAD). The available evidence is insufficient to determine the role of this variant in disease conclusively. Therefore, this variant is classified as a Variant of Uncertain Significance.

Blueprint Genetics
Classification: Likely benign. Last evaluated: 2023-10-26. Review status: criteria provided, single submitter. Criteria: ACMG Guidelines, 2015. Collection method: clinical testing. Allele origin: germline.

Laboratory for Molecular Medicine, Mass General Brigham Personalized Medicine
Classification: Likely benign. Last evaluated: 2009-08-13. Review status: no assertion criteria provided. Collection method: clinical testing. Allele origin: germline. Observed: 3 variant alleles. Not counted in ClinVar's aggregate classification.

Literature cited by the submitters: PubMed 24503780 (cited by Ambry Genetics); PubMed 30847666 (cited by 4 submitters); PubMed 33495597 (cited by 4 submitters); PubMed 27532257 (cited by 3 submitters); PubMed 12403824 (cited by Laboratory for Molecular Medicine, Mass General Brigham Personalized Medicine).

NM_000256.3(MYBPC3):c.206G>A (p.Arg69Gln)

Gene: MYBPC3 (myosin binding protein C3; minus strand). Cytogenetic location: 11p11.2.
Variant type: single nucleotide variant.
Coding change: c.206G>A on transcript NM_000256.3 (MANE Select); coding-DNA position 206, G replaced by A.
Protein change: p.Arg69Gln; replaces arginine 69 with glutamine.
Molecular consequence: missense variant.
Genome position (GRCh38, 1-based): chr11:47,351,325, C>T on the plus strand (G>A on the coding strand, the complement: MYBPC3 is on the minus strand). VCF-style: chr11-47351325-C-T. GRCh37 (hg19) VCF-style: chr11-47372876-C-T.
Other names: short protein forms R69Q.
Identifiers: ClinVar variation 42594 (VCV000042594.24), dbSNP rs397515945, ClinGen allele CA011710.